The following is an entry in ClinVar:

ClinVar aggregate classification (germline): Uncertain significance (1 of 4 stars; one submission).

Conditions:
Hereditary spastic paraplegia 4. Also called: Familial spastic paraplegia autosomal dominant 2; Spastic paraplegia 4, autosomal dominant; Spastic Paraplegia 4. Identifiers: Orphanet 100985, MedGen C1866855, MONDO:0008438, OMIM 182601.

Submission:

Labcorp Genetics (formerly Invitae), Labcorp
Classification: Uncertain significance for Hereditary spastic paraplegia 4. Last evaluated: 2022-03-12. Review status: criteria provided, single submitter. Criteria: Invitae Variant Classification Sherloc (09022015). Collection method: clinical testing. Allele origin: germline.
Comment: In summary, the available evidence is currently insufficient to determine the role of this variant in disease. Therefore, it has been classified as a Variant of Uncertain Significance. Experimental studies and prediction algorithms are not available or were not evaluated, and the functional significance of this variant is currently unknown. This variant has not been reported in the literature in individuals affected with SPAST-related conditions. This variant is not present in population databases (gnomAD no frequency). This variant, c.312_317del, results in the deletion of 2 amino acid(s) of the SPAST protein (p.Ala106_Pro107del), but otherwise preserves the integrity of the reading frame.

NM_014946.4(SPAST):c.312_317del (p.104AP[1])

Gene: SPAST (spastin; plus strand). Cytogenetic location: 2p22.3.
Variant type: Deletion.
Coding change: c.312_317del on transcript NM_014946.4 (MANE Select); coding-DNA positions 312 to 317, 6 bases deleted (CCCGGC; older notation c.312_317delCCCGGC).
Protein change: p.104AP[1].
Molecular consequence: inframe deletion.
Genome position (GRCh38, 1-based): chr2:32,064,143-32,064,148, CCCGGC deleted; deleting any 6 consecutive bases within chr2:32,064,139-32,064,148 gives the same sequence; the c. name uses the placement nearest the transcript's 3' end. VCF-style (leftmost placement, unchanged base first): chr2-32064138-TCGGCCC-T. GRCh37 (hg19) VCF-style: chr2-32289207-TCGGCCC-T.
Other names: c.312_317del, p.104AP[1] (NM_001363823.2, NM_001363875.2, NM_001377959.1 and 1 more transcripts).
Identifiers: ClinVar variation 2103343 (VCV002103343.4), dbSNP rs747993450, ClinGen allele CA645524363.